The following is an entry in ClinVar:

ClinVar aggregate classification (germline): Uncertain significance (1 of 4 stars; one submission).

Conditions:
Meckel syndrome, type 10 (MKS10). Identifiers: Orphanet 564, MedGen C3280036, MONDO:0013609, OMIM 614175.

gnomAD v4.1: 4 of 1,614,052 alleles (0.00025%); highest among the groups gnomAD compares: Middle Eastern, 0.016%; no homozygotes.

Submission:

Institute of Human Genetics, University of Leipzig Medical Center
Classification: Uncertain significance for Meckel syndrome, type 10. Last evaluated: 2024-09-30. Review status: criteria provided, single submitter. Criteria: ACMG Guidelines, 2015. Collection method: clinical testing. Allele origin: unknown. Inheritance: Autosomal recessive inheritance. Affected: yes.
Comment: Criteria applied: PM2,PM3_SUP,PP3

NM_030578.4(B9D2):c.496C>G (p.Arg166Gly)

Gene: B9D2 (B9 domain containing 2; minus strand). Cytogenetic location: 19q13.2.
Variant type: single nucleotide variant.
Coding change: c.496C>G on transcript NM_030578.4 (MANE Select); coding-DNA position 496, C replaced by G.
Protein change: p.Arg166Gly; replaces arginine 166 with glycine.
Molecular consequence: missense variant.
Genome position (GRCh38, 1-based): chr19:41,354,732, G>C on the plus strand (C>G on the coding strand, the complement: B9D2 is on the minus strand). VCF-style: chr19-41354732-G-C. GRCh37 (hg19) VCF-style: chr19-41860637-G-C.
Other names: short protein forms R166G.
Identifiers: ClinVar variation 3359110 (VCV003359110.2).
Genomic context (GRCh38, chr19:41,354,732, plus strand): 5'-ATGGTGGTGACGTTGGAGGCAGAGTCCCTCAGCACTCCACGCCGTAGCGGTCGAAGTTGC[G>C]GAGCAGCAGGCCGATCTCCAGGTGCACGGTGCCACCAGCAGCTGTGTGCAGGCGATAGCG-3'
Protein context (NP_085055.2, residues 156-175): TVHLEIGLLL[Arg166Gly]NFDRYGVEC